The following is an entry in ClinVar:

ClinVar aggregate classification (germline): Uncertain significance (1 of 4 stars; one submission).

Submission:

Labcorp Genetics (formerly Invitae), Labcorp
Classification: Uncertain significance. Last evaluated: 2025-01-23. Review status: criteria provided, single submitter. Criteria: Invitae Variant Classification Sherloc (09022015). Collection method: clinical testing. Allele origin: germline.
Comment: This sequence change creates a premature translational stop signal (p.Glu234*) in the HOXB13 gene. While this is not anticipated to result in nonsense mediated decay, it is expected to disrupt the last 51 amino acid(s) of the HOXB13 protein. This variant is not present in population databases (gnomAD no frequency). This variant has not been reported in the literature in individuals affected with HOXB13-related conditions. Experimental studies and prediction algorithms are not available or were not evaluated, and the functional significance of this variant is currently unknown. In summary, the available evidence is currently insufficient to determine the role of this variant in disease. Therefore, it has been classified as a Variant of Uncertain Significance.

NM_006361.6(HOXB13):c.700G>T (p.Glu234Ter)

Gene: HOXB13 (homeobox B13; minus strand). Cytogenetic location: 17q21.32.
Variant type: single nucleotide variant.
Coding change: c.700G>T on transcript NM_006361.6 (MANE Select); coding-DNA position 700, G replaced by T.
Protein change: p.Glu234Ter; replaces glutamic acid 234 with a stop codon.
Molecular consequence: nonsense.
Genome position (GRCh38, 1-based): chr17:48,726,945, C>A on the plus strand (G>T on the coding strand, the complement: HOXB13 is on the minus strand). VCF-style: chr17-48726945-C-A. GRCh37 (hg19) VCF-style: chr17-46804307-C-A.
Other names: short protein forms E234*.
Identifiers: ClinVar variation 3729469 (VCV003729469.2).